The following is an entry in ClinVar:

ClinVar aggregate classification (germline): Benign. Review status: criteria provided, multiple submitters, no conflicts (2 of 4 stars). 2 submissions from 2 submitters: Benign (2). Last evaluated 2018-01-13.

Conditions:
Dicarboxylic aminoaciduria (DCBXA). Also called: GLUTAMATE-ASPARTATE TRANSPORT DEFECT. Identifiers: Orphanet 2195, MedGen C1857253, MONDO:0009110, OMIM 222730.

Allele frequency attached by ClinVar (database versions not stated): 1000 Genomes Project 30x 0.00671; 1000 Genomes Project 0.00739; TOPMed 0.01567; ExAC 0.01631; ESP Exome Variant Server 0.01738; gnomAD 0.01755.
gnomAD v4.1: 37,405 of 1,611,722 alleles (2.3%); highest among the groups gnomAD compares: Non-Finnish European, 2.8%; 534 homozygotes.

Submissions (2):

Illumina Laboratory Services, Illumina
Classification: Benign for Dicarboxylic aminoaciduria. Last evaluated: 2018-01-13. Review status: criteria provided, single submitter. Criteria: ICSL Variant Classification Criteria 13 December 2019. Collection method: clinical testing. Allele origin: germline.
Comment: This variant was observed in the ICSL laboratory as part of a predisposition screen in an ostensibly healthy population. It had not been previously curated by ICSL or reported in the Human Gene Mutation Database (HGMD: prior to June 1st, 2018), and was therefore a candidate for classification through an automated scoring system. Utilizing variant allele frequency, disease prevalence and penetrance estimates, and inheritance mode, an automated score was calculated to assess if this variant is too frequent to cause the disease. Based on the score and internal cut-off values, a variant classified as benign is not then subjected to further curation. The score for this variant resulted in a classification of benign for this disease.

Breakthrough Genomics
Classification: Benign. Review status: criteria provided, single submitter. Criteria: ACMG Guidelines, 2015. Collection method: not provided. Allele origin: germline. Inheritance: Autosomal recessive inheritance. Affected: yes.

NM_004170.6(SLC1A1):c.81G>C (p.Ala27=)

Gene: SLC1A1 (solute carrier family 1 member 1; plus strand). Cytogenetic location: 9p24.2.
Variant type: single nucleotide variant.
Coding change: c.81G>C on transcript NM_004170.6 (MANE Select); coding-DNA position 81, G replaced by C.
Protein change: p.Ala27=; no amino-acid change (alanine 27 retained).
Molecular consequence: synonymous variant.
Genome position (GRCh38, 1-based): chr9:4,490,760, G>C. VCF-style: chr9-4490760-G-C. GRCh37 (hg19) VCF-style: chr9-4490760-G-C.
Identifiers: ClinVar variation 367033 (VCV000367033.6), dbSNP rs2229885, ClinGen allele CA4968806.